The following is an entry in ClinVar:

NM_001256071.3(RNF213):c.12185G>A (p.Arg4062Gln)

Genes: RNF213-AS1 (RNF213 antisense RNA 1; minus strand), RNF213 (ring finger protein 213; plus strand). Cytogenetic location: 17q25.3.
Variant type: single nucleotide variant.
Coding change: c.12185G>A on transcript NM_001256071.3 (MANE Select); coding-DNA position 12185, G replaced by A.
Protein change: p.Arg4062Gln; replaces arginine 4062 with glutamine.
Molecular consequence: missense variant.
Genome position (GRCh38, 1-based): chr17:80,369,531, G>A. VCF-style: chr17-80369531-G-A. GRCh37 (hg19) VCF-style: chr17-78343331-G-A.
Other names: short protein forms R4062Q.
Identifiers: ClinVar variation 417851 (VCV000417851.8), dbSNP rs1555676035, ClinGen allele CA401409420.
Genomic context (GRCh38, chr17:80,369,531, plus strand): 5'-TCCACCTGTCTTCTGTTTCTCGTGTTCTAAGGGAAGCCATTGAAAAGCATGCCCGCTTCC[G>A]GCAGATGTGCAACAGTTTCTTCGTAGACCTGGTGTCCACCATTTGCTTCAAGGACAACGC-3'
Protein context (NP_001243000.2, residues 4052-4072): REAIEKHARF[Arg4062Gln]QMCNSFFVDL

ClinVar aggregate classification (germline): Conflicting classifications of pathogenicity. Review status: criteria provided, conflicting classifications (1 of 4 stars). 4 submissions from 4 submitters: Likely pathogenic (1); Uncertain significance (2). 1 of the submissions does not count toward it. Last evaluated 2024-06-25.

Conditions:
Moyamoya disease 1. Also called: MYMY1; SPONTANEOUS OCCLUSION OF THE CIRCLE OF WILLIS. Identifiers: Orphanet 2573, MedGen C2931384, MONDO:0009649, OMIM 252350.
Moyamoya disease 2 (MYMY2). Also called: MOYAMOYA DISEASE 2, SUSCEPTIBILITY TO. Identifiers: Orphanet 2573, MedGen C1846689, MONDO:0011784, OMIM 607151.

Allele frequency attached by ClinVar (database versions not stated): gnomAD exomes below 0.00001.
gnomAD v4.1: 4 of 1,613,916 alleles (0.00025%); highest among the groups gnomAD compares: Non-Finnish European, 0.00025%; no homozygotes.

Submissions (4):

Institute of Human Genetics, University of Leipzig Medical Center
Classification: Uncertain significance for Moyamoya disease 1. Last evaluated: 2024-06-25. Review status: criteria provided, single submitter. Criteria: ACMG Guidelines, 2015. Collection method: clinical testing. Allele origin: maternal. Inheritance: Autosomal dominant inheritance. Affected: yes.
Comment: Criteria applied: PS4_SUP,PM2_SUP,PP2

Labcorp Genetics (formerly Invitae), Labcorp
Classification: Likely pathogenic. Last evaluated: 2024-04-02. Review status: criteria provided, single submitter. Criteria: Invitae Variant Classification Sherloc (09022015). Collection method: clinical testing. Allele origin: germline.
Comment: This sequence change replaces arginine, which is basic and polar, with glutamine, which is neutral and polar, at codon 4062 of the RNF213 protein (p.Arg4062Gln). This variant is not present in population databases (gnomAD no frequency). This missense change has been observed in individuals with Moyamoya disease (PMID: 21799892, 25964206, 27128593, 29387438, 30922903). ClinVar contains an entry for this variant (Variation ID: 417851). An algorithm developed to predict the effect of missense changes on protein structure and function (PolyPhen-2) suggests that this variant is likely to be disruptive. In summary, the currently available evidence indicates that the variant is pathogenic, but additional data are needed to prove that conclusively. Therefore, this variant has been classified as Likely Pathogenic.

GeneDx
Classification: Uncertain significance. Last evaluated: 2019-11-14. Review status: criteria provided, single submitter. Criteria: GeneDx Variant Classification Process June 2021. Collection method: clinical testing. Allele origin: germline. Affected: yes.
Comment: Not observed in large population cohorts (Lek et al., 2016); In silico analysis, which includes protein predictors and evolutionary conservation, supports a deleterious effect; Identified in individuals from Asian and European backgrounds with moyamoya disease in published literature (Liu et al., 2011; Moteki et al., 2015; Zhang et al., 2017; Akagawa et al., 2018); This variant is associated with the following publications: (PMID: 30922903, 21799892, 25964206, 27128593, 29387438)

UMR-S1161, Institut national de la santé et de la recherche médicale
Classification: Uncertain significance for Moyamoya disease 2. Last evaluated: 2017-03-03. Review status: no assertion criteria provided. Collection method: research. Allele origin: unknown. Affected: yes. Study: Rare RNF213 variants in Caucasian moyamoya patients. Not counted in ClinVar's aggregate classification.

Literature cited by the submitters: PubMed 21799892 (cited by Labcorp Genetics (formerly Invitae), Labcorp); PubMed 25964206 (cited by Labcorp Genetics (formerly Invitae), Labcorp); PubMed 27128593 (cited by Labcorp Genetics (formerly Invitae), Labcorp); PubMed 29387438 (cited by Labcorp Genetics (formerly Invitae), Labcorp); PubMed 30922903 (cited by Labcorp Genetics (formerly Invitae), Labcorp).